The following is an entry in ClinVar:

NM_015176.4(FBXO28):c.1036C>G (p.Arg346Gly)

Gene: FBXO28 (F-box protein 28; plus strand). Cytogenetic location: 1q42.11.
Variant type: single nucleotide variant.
Coding change: c.1036C>G on transcript NM_015176.4 (MANE Select); coding-DNA position 1036, C replaced by G.
Protein change: p.Arg346Gly; replaces arginine 346 with glycine.
Molecular consequence: missense variant. On other transcripts: 3 prime UTR variant (1), non-coding transcript variant (1).
Genome position (GRCh38, 1-based): chr1:224,157,675, C>G. VCF-style: chr1-224157675-C-G. GRCh37 (hg19) VCF-style: chr1-224345377-C-G.
Other names: c.1036C>G (NM_015176.2); c.*300C>G (NM_001136115.3); short protein forms R346G.
Identifiers: ClinVar variation 4822394 (VCV004822394.4).

ClinVar aggregate classification (germline): Conflicting classifications of pathogenicity. Review status: criteria provided, conflicting classifications (1 of 4 stars). 2 submissions from 2 submitters: Uncertain significance (1); Likely benign (1). Last evaluated 2026-02-01.

Conditions:
Inborn genetic diseases. Identifiers: MedGen C0950123, MeSH D030342.

Submissions (2):

CeGaT Center for Human Genetics Tuebingen
Classification: Likely benign. Last evaluated: 2026-02-01. Review status: criteria provided, single submitter. Criteria: CeGaT Center For Human Genetics Tuebingen Variant Classification Criteria Version 2. Collection method: clinical testing. Allele origin: germline. Affected: yes. Observed: 1 variant allele.
Comment: FBXO28: BP4

Ambry Genetics
Classification: Uncertain significance for Inborn genetic diseases. Last evaluated: 2025-12-31. Review status: criteria provided, single submitter. Criteria: Ambry Variant Classification Scheme 2023. Collection method: clinical testing. Allele origin: germline.
Comment: The c.1036C>G (p.R346G) alteration is located in exon 5 (coding exon 5) of the FBXO28 gene. This alteration results from a C to G substitution at nucleotide position 1036, causing the arginine (R) at amino acid position 346 to be replaced by a glycine (G). Based on data from gnomAD, the G allele has an overall frequency of <0.001% (1/249882) total alleles studied. The highest observed frequency was 0.003% (1/34146) of Latino alleles. Based on insufficient or conflicting evidence, the clinical significance of this alteration remains unclear.